The following is an entry in ClinVar:

ClinVar aggregate classification (germline): Uncertain significance (1 of 4 stars; one submission).

Submission:

GeneDx
Classification: Uncertain significance. Last evaluated: 2024-07-02. Review status: criteria provided, single submitter. Criteria: GeneDx Variant Classification Process June 2021. Collection method: clinical testing. Allele origin: germline. Affected: yes.
Comment: Not observed at significant frequency in large population cohorts (gnomAD); In silico analysis indicates that this missense variant does not alter protein structure/function; Has not been previously published as pathogenic or benign to our knowledge

NM_000829.4(GRIA4):c.2582T>C (p.Leu861Ser)

Gene: GRIA4 (glutamate ionotropic receptor AMPA type subunit 4; plus strand). Cytogenetic location: 11q22.3.
Variant type: single nucleotide variant.
Coding change: c.2582T>C on transcript NM_000829.4 (MANE Select); coding-DNA position 2582, T replaced by C.
Protein change: p.Leu861Ser; replaces leucine 861 with serine.
Molecular consequence: missense variant. On other transcripts: 3 prime UTR variant (1), non-coding transcript variant (1).
Genome position (GRCh38, 1-based): chr11:105,979,612, T>C. VCF-style: chr11-105979612-T-C. GRCh37 (hg19) VCF-style: chr11-105850339-T-C.
Other names: c.*40T>C (NM_001077243.3); short protein forms L861S.
Identifiers: ClinVar variation 3393644 (VCV003393644.1).